The following is an entry in ClinVar:

ClinVar aggregate classification (germline): Likely benign. Review status: criteria provided, single submitter (1 of 4 stars). 2 submissions from 2 submitters: Likely benign (1). 1 of the submissions does not count toward it. Last evaluated 2023-09-01.

Conditions:
HIVEP3-related disorder. Also called: HIVEP3-related condition.

Allele frequency attached by ClinVar (database versions not stated): ExAC 0.00052; ESP Exome Variant Server 0.00131; gnomAD 0.00135; TOPMed 0.00161; 1000 Genomes Project 0.00180; 1000 Genomes Project 30x 0.00203.
gnomAD v4.1: 388 of 1,596,956 alleles (0.024%); highest among the groups gnomAD compares: African/African-American, 0.43%; 2 homozygotes.

Submissions (2):

CeGaT Center for Human Genetics Tuebingen
Classification: Likely benign. Last evaluated: 2023-09-01. Review status: criteria provided, single submitter. Criteria: CeGaT Center For Human Genetics Tuebingen Variant Classification Criteria Version 2. Collection method: clinical testing. Allele origin: germline. Affected: yes. Observed: 1 variant allele.
Comment: HIVEP3: BP4

PreventionGenetics, part of Exact Sciences
Classification: Likely benign for HIVEP3-related condition. Last evaluated: 2019-10-28. Review status: no assertion criteria provided. Collection method: clinical testing. Allele origin: germline. Not counted in ClinVar's aggregate classification.
Comment: This variant is classified as likely benign based on ACMG/AMP sequence variant interpretation guidelines (Richards et al. 2015 PMID: 25741868, with internal and published modifications).

NM_024503.5(HIVEP3):c.1047C>G (p.Pro349=)

Gene: HIVEP3 (HIVEP zinc finger 3; minus strand). Cytogenetic location: 1p34.2.
Variant type: single nucleotide variant.
Coding change: c.1047C>G on transcript NM_024503.5 (MANE Select); coding-DNA position 1047, C replaced by G.
Protein change: p.Pro349=; no amino-acid change (proline 349 retained).
Molecular consequence: synonymous variant.
Genome position (GRCh38, 1-based): chr1:41,583,751, G>C on the plus strand (C>G on the coding strand, the complement: HIVEP3 is on the minus strand). VCF-style: chr1-41583751-G-C. GRCh37 (hg19) VCF-style: chr1-42049422-G-C.
Other names: c.1047C>G, p.Pro349= (NM_001127714.3); c.1047C>G (NM_024503.4).
Identifiers: ClinVar variation 2638733 (VCV002638733.25), dbSNP rs141636566, ClinGen allele CA798328.
Genomic context (GRCh38, chr1:41,583,751, plus strand): 5'-GCTTAAGCGGAGGGCCAGCTTCTGCTTAATCGTGTGGGTGTCTTCAGGTTTATGGCTCAG[G>C]GGGTGCTCAGATGAGGGTTCCACAAATGGAGGGGGGTCTTCGAGTGACTGGGCTGTGCTG-3'
Protein context (NP_078779.2, residues 339-359): PPFVEPSSEH[Pro349=]LSHKPEDTHT